The following is an entry in ClinVar:

ClinVar aggregate classification (germline): Uncertain significance (1 of 4 stars; one submission).

Conditions:
Rienhoff syndrome. Also called: LOEYS-DIETZ SYNDROME 5. Identifiers: MedGen C3810012, MONDO:0014262, OMIM 615582.

Allele frequency attached by ClinVar (database versions not stated): gnomAD exomes below 0.00001.
gnomAD v4.1: 1 of 1,614,190 alleles (0.000062%); highest among the groups gnomAD compares: Non-Finnish European, 0.000085%; no homozygotes.

Submission:

Labcorp Genetics (formerly Invitae), Labcorp
Classification: Uncertain significance for Rienhoff syndrome. Last evaluated: 2020-07-16. Review status: criteria provided, single submitter. Criteria: Invitae Variant Classification Sherloc (09022015). Collection method: clinical testing. Allele origin: germline.
Comment: This variant is not present in population databases (ExAC no frequency). This sequence change replaces methionine with isoleucine at codon 62 of the TGFB3 protein (p.Met62Ile). The methionine residue is moderately conserved and there is a small physicochemical difference between methionine and isoleucine. This variant has not been reported in the literature in individuals with TGFB3-related conditions. Algorithms developed to predict the effect of missense changes on protein structure and function (SIFT, PolyPhen-2, Align-GVGD) all suggest that this variant is likely to be tolerated, but these predictions have not been confirmed by published functional studies and their clinical significance is uncertain. In summary, the available evidence is currently insufficient to determine the role of this variant in disease. Therefore, it has been classified as a Variant of Uncertain Significance.

NM_003239.5(TGFB3):c.186G>A (p.Met62Ile)

Gene: TGFB3 (transforming growth factor beta 3; minus strand). Cytogenetic location: 14q24.3.
Variant type: single nucleotide variant.
Coding change: c.186G>A on transcript NM_003239.5 (MANE Select); coding-DNA position 186, G replaced by A.
Protein change: p.Met62Ile; replaces methionine 62 with isoleucine.
Molecular consequence: missense variant.
Genome position (GRCh38, 1-based): chr14:75,980,708, C>T on the plus strand (G>A on the coding strand, the complement: TGFB3 is on the minus strand). VCF-style: chr14-75980708-C-T. GRCh37 (hg19) VCF-style: chr14-76447051-C-T.
Other names: c.186G>A, p.Met62Ile (NM_001329938.2, NM_001329939.2); short protein forms M62I.
Identifiers: ClinVar variation 1053931 (VCV001053931.47), dbSNP rs2140254405, ClinGen allele CA390471473.
Genomic context (GRCh38, chr14:75,980,708, plus strand): 5'-CTCCTCCAGCAGCTCCCGGGTGCTGTTGTAAAGGGCCAGGACCTGATAGGGGACGTGGGT[C>T]ATCACCGTTGGCTCAGGGGGGCTGGTGAGCCTGAGCTTGCTCAAGATCTGTCCCCTAATG-3'
Protein context (NP_003230.1, residues 52-72): RLTSPPEPTV[Met62Ile]THVPYQVLAL